The following is an entry in ClinVar:

NM_019074.4(DLL4):c.937C>T (p.Arg313Cys)

Gene: DLL4 (delta like canonical Notch ligand 4; plus strand). Cytogenetic location: 15q15.1.
Variant type: single nucleotide variant.
Coding change: c.937C>T on transcript NM_019074.4 (MANE Select); coding-DNA position 937, C replaced by T.
Protein change: p.Arg313Cys; replaces arginine 313 with cysteine.
Molecular consequence: missense variant.
Genome position (GRCh38, 1-based): chr15:40,934,634, C>T. VCF-style: chr15-40934634-C-T. GRCh37 (hg19) VCF-style: chr15-41226832-C-T.
Other names: c.937C>T (NM_019074.3); short protein forms R313C.
Identifiers: ClinVar variation 1503750 (VCV001503750.6), dbSNP rs959903939, ClinGen allele CA269591641.
Genomic context (GRCh38, chr15:40,934,634, plus strand): 5'-CCATGCAAGAATGGGGCAACGTGCTCCAACAGTGGGCAGCGAAGCTACACCTGCACCTGT[C>T]GCCCAGGCTACACTGGTGTGGACTGTGAGCTGGAGCTCAGCGAGTGTGACAGCAACCCCT-3'
Protein context (NP_061947.1, residues 303-323): SGQRSYTCTC[Arg313Cys]PGYTGVDCEL

ClinVar aggregate classification (germline): Uncertain significance. Review status: criteria provided, multiple submitters, no conflicts (2 of 4 stars). 2 submissions from 2 submitters: Uncertain significance (2). Last evaluated 2023-08-10.

Conditions:
Inborn genetic diseases. Identifiers: MedGen C0950123, MeSH D030342.

Allele frequency attached by ClinVar (database versions not stated): gnomAD exomes 0.00002; gnomAD 0.00003; TOPMed 0.00003.
gnomAD v4.1: 29 of 1,613,814 alleles (0.0018%); highest among the groups gnomAD compares: African/African-American, 0.004%; no homozygotes.

Submissions (2):

Labcorp Genetics (formerly Invitae), Labcorp
Classification: Uncertain significance. Last evaluated: 2023-08-10. Review status: criteria provided, single submitter. Criteria: Invitae Variant Classification Sherloc (09022015). Collection method: clinical testing. Allele origin: germline.
Comment: Advanced modeling of protein sequence and biophysical properties (such as structural, functional, and spatial information, amino acid conservation, physicochemical variation, residue mobility, and thermodynamic stability) performed at Invitae indicates that this missense variant is not expected to disrupt DLL4 protein function. In summary, the available evidence is currently insufficient to determine the role of this variant in disease. Therefore, it has been classified as a Variant of Uncertain Significance. ClinVar contains an entry for this variant (Variation ID: 1503750). This variant has not been reported in the literature in individuals affected with DLL4-related conditions. The frequency data for this variant in the population databases is considered unreliable, as metrics indicate poor data quality at this position in the gnomAD database. This sequence change replaces arginine, which is basic and polar, with cysteine, which is neutral and slightly polar, at codon 313 of the DLL4 protein (p.Arg313Cys).

Ambry Genetics
Classification: Uncertain significance for Inborn genetic diseases. Last evaluated: 2021-09-01. Review status: criteria provided, single submitter. Criteria: Ambry Variant Classification Scheme 2023. Collection method: clinical testing. Allele origin: germline.